The following is an entry in ClinVar:

NM_015346.4(ZFYVE26):c.3038_3039delinsGAGTCCTGGG (p.Val1013fs)

Gene: ZFYVE26 (zinc finger FYVE-type containing 26; minus strand). Cytogenetic location: 14q24.1.
Variant type: Indel.
Coding change: c.3038_3039delinsGAGTCCTGGG on transcript NM_015346.4 (MANE Select); coding-DNA positions 3038 to 3039, TA replaced by GAGTCCTGGG.
Protein change: p.Val1013fs; shifts the reading frame from valine 1013.
Molecular consequence: frameshift variant.
Genome position (GRCh38, 1-based): chr14:67,786,214-67,786,215, TA replaced by CCCAGGACTC on the plus strand (TA replaced by GAGTCCTGGG on the coding strand, the reverse complement: ZFYVE26 is on the minus strand). VCF-style: chr14-67786214-TA-CCCAGGACTC. GRCh37 (hg19) VCF-style: chr14-68252931-TA-CCCAGGACTC.
Other names: short protein forms V1013fs.
Identifiers: ClinVar variation 1724296 (VCV001724296.2), dbSNP rs2502818735, ClinGen allele CA2580088648.

ClinVar aggregate classification (germline): Likely pathogenic (1 of 4 stars; one submission).

Conditions:
Hereditary spastic paraplegia 15 (SPG15). Also called: SPASTIC PARAPLEGIA 15, AUTOSOMAL RECESSIVE; KJELLIN SYNDROME; SPASTIC PARAPLEGIA AND RETINAL DEGENERATION. Identifiers: Orphanet 100996, MedGen C1849128, MONDO:0010044, OMIM 270700.

Submission:

Myriad Genetics, Inc.
Classification: Likely pathogenic for Hereditary spastic paraplegia 15. Last evaluated: 2021-11-08. Review status: criteria provided, single submitter. Criteria: Myriad Women's Health Autosomal Recessive and X-Linked Classification Criteria (2021). Collection method: clinical testing. Allele origin: unknown.
Comment: NM_015346.3(ZFYVE26):c.3038_3039del2ins10(V1013Gfs*6) is expected to be pathogenic in the context of spastic paraplegia type 15. This variant is predicted to lead to an abnormal or absent protein product due to the creation of a premature termination codon in ZFYVE26, a gene where loss-of-function variants are known to be pathogenic. Please note: this variant was assessed in the context of healthy population screening.